The following is an entry in ClinVar:

ClinVar aggregate classification (germline): Conflicting classifications of pathogenicity. Review status: criteria provided, conflicting classifications (1 of 4 stars). 3 submissions from 3 submitters: Uncertain significance (2); Likely benign (1). Last evaluated 2025-05-19.

Conditions:
Hereditary cancer-predisposing syndrome. Also called: Hereditary neoplastic syndrome; Neoplastic Syndromes, Hereditary; Tumor predisposition; Hereditary Cancer Syndrome. Identifiers: Orphanet 140162, MedGen C0027672, MeSH D009386, MONDO:0015356.
Hereditary breast ovarian cancer syndrome. Also called: Hereditary breast and ovarian cancer syndrome (HBOC); Breast and ovarian cancer; Hereditary breast and ovarian cancer syndrome; Hereditary breast and ovarian cancer; Hereditary breast and/or ovarian cancer syndrome; BRCA1- and BRCA2-Associated Hereditary Breast and Ovarian Cancer. Identifiers: Orphanet 145, MedGen C0677776, MeSH D061325, MONDO:0003582. Disease mechanism: loss of function.
Breast-ovarian cancer, familial, susceptibility to, 2 (BROVCA2). Also called: BRCA2 Hereditary Breast and Ovarian Cancer. Identifiers: Orphanet 145, MedGen C2675520, MONDO:0012933, OMIM 612555. Disease mechanism: loss of function.

Allele frequency attached by ClinVar (database versions not stated): gnomAD exomes below 0.00001; gnomAD 0.00001; 1000 Genomes Project 0.00020; 1000 Genomes Project 30x 0.00031.
gnomAD v4.1: 2 of 1,614,142 alleles (0.00012%); highest among the groups gnomAD compares: Admixed American, 0.0033%; no homozygotes.

Submissions (3):

Ambry Genetics
Classification: Likely benign for Hereditary cancer-predisposing syndrome. Last evaluated: 2025-05-19. Review status: criteria provided, single submitter. Criteria: Ambry Variant Classification Scheme 2023. Collection method: clinical testing. Allele origin: germline.

Labcorp Genetics (formerly Invitae), Labcorp
Classification: Uncertain significance for Hereditary breast ovarian cancer syndrome. Last evaluated: 2025-05-12. Review status: criteria provided, single submitter. Criteria: Invitae Variant Classification Sherloc (09022015). Collection method: clinical testing. Allele origin: germline.
Comment: This sequence change replaces glutamic acid, which is acidic and polar, with glutamine, which is neutral and polar, at codon 2702 of the BRCA2 protein (p.Glu2702Gln). This variant is present in population databases (rs186224762, gnomAD 0.003%). This variant has not been reported in the literature in individuals affected with BRCA2-related conditions. ClinVar contains an entry for this variant (Variation ID: 485408). Invitae Evidence Modeling of protein sequence and biophysical properties (such as structural, functional, and spatial information, amino acid conservation, physicochemical variation, residue mobility, and thermodynamic stability) indicates that this missense variant is not expected to disrupt BRCA2 protein function with a negative predictive value of 95%. In summary, the available evidence is currently insufficient to determine the role of this variant in disease. Therefore, it has been classified as a Variant of Uncertain Significance.

All of Us Research Program, National Institutes of Health
Classification: Uncertain significance for Breast-ovarian cancer, familial, susceptibility to, 2. Last evaluated: 2023-06-08. Review status: criteria provided, single submitter. Criteria: ACMG Guidelines, 2015. Collection method: clinical testing. Allele origin: germline. Inheritance: Autosomal dominant inheritance. Observed: 1 variant allele, 1 heterozygote.
Comment: This missense variant replaces glutamic acid with glutamine at codon 2702 of the BRCA2 protein. Computational prediction suggests that this variant may not impact protein structure and function (internally defined REVEL score threshold <= 0.5, PMID: 27666373). To our knowledge, functional studies have not been reported for this variant. This variant has not been reported in individuals affected with hereditary cancer in the literature. This variant has been identified in 1/251328 chromosomes in the general population by the Genome Aggregation Database (gnomAD). The available evidence is insufficient to determine the role of this variant in disease conclusively. Therefore, this variant is classified as a Variant of Uncertain Significance.

This study involves interpretation of variants in research participants for the purpose of population health screening. Participant phenotype was not available at the time of variant classification. Additional details can be found in publication PMID: 35346344, PMCID: PMC8962531

NM_000059.4(BRCA2):c.8104G>C (p.Glu2702Gln)

Gene: BRCA2 (BRCA2 DNA repair associated; plus strand). Cytogenetic location: 13q13.1.
Variant type: single nucleotide variant.
Coding change: c.8104G>C on transcript NM_000059.4 (MANE Select); coding-DNA position 8104, G replaced by C.
Protein change: p.Glu2702Gln; replaces glutamic acid 2702 with glutamine.
Molecular consequence: missense variant.
Genome position (GRCh38, 1-based): chr13:32,363,306, G>C. VCF-style: chr13-32363306-G-C. GRCh37 (hg19) VCF-style: chr13-32937443-G-C.
Other names: short protein forms E2702Q.
Identifiers: ClinVar variation 485408 (VCV000485408.18), dbSNP rs186224762, ClinGen allele CA247477685.